The following is an entry in ClinVar:

ClinVar aggregate classification (germline): Uncertain significance (1 of 4 stars; one submission).

Allele frequency attached by ClinVar (database versions not stated): gnomAD exomes below 0.00001; TOPMed below 0.00001.
gnomAD v4.1: 1 of 1,614,098 alleles (0.000062%); highest among the groups gnomAD compares: East Asian, 0.0022%; no homozygotes.

Submission:

Labcorp Genetics (formerly Invitae), Labcorp
Classification: Uncertain significance. Last evaluated: 2021-03-31. Review status: criteria provided, single submitter. Criteria: Invitae Variant Classification Sherloc (09022015). Collection method: clinical testing. Allele origin: germline.
Comment: This variant is not present in population databases (ExAC no frequency). This sequence change replaces glycine with aspartic acid at codon 971 of the NSD1 protein (p.Gly971Asp). The glycine residue is weakly conserved and there is a moderate physicochemical difference between glycine and aspartic acid. This variant has not been reported in the literature in individuals with NSD1-related conditions. Advanced modeling of protein sequence and biophysical properties (such as structural, functional, and spatial information, amino acid conservation, physicochemical variation, residue mobility, and thermodynamic stability) performed at Invitae indicates that this missense variant is not expected to disrupt NSD1 protein function. In summary, the available evidence is currently insufficient to determine the role of this variant in disease. Therefore, it has been classified as a Variant of Uncertain Significance.

NM_022455.5(NSD1):c.2912G>A (p.Gly971Asp)

Gene: NSD1 (nuclear receptor binding SET domain protein 1; plus strand). Cytogenetic location: 5q35.3.
Variant type: single nucleotide variant.
Coding change: c.2912G>A on transcript NM_022455.5 (MANE Select); coding-DNA position 2912, G replaced by A.
Protein change: p.Gly971Asp; replaces glycine 971 with aspartic acid.
Molecular consequence: missense variant.
Genome position (GRCh38, 1-based): chr5:177,211,311, G>A. VCF-style: chr5-177211311-G-A. GRCh37 (hg19) VCF-style: chr5-176638312-G-A.
Other names: c.2039G>A, p.Gly680Asp (NM_001365684.2, NM_001409306.1, NM_001409307.1 and 3 more transcripts); c.2912G>A, p.Gly971Asp (NM_001409301.1, NM_001409302.1, NM_001409303.1); c.2492G>A, p.Gly831Asp (NM_001409304.1); c.2159G>A, p.Gly720Asp (NM_001409305.1); short protein forms G702D, G971D, G680D, G831D, G720D.
Identifiers: ClinVar variation 1345553 (VCV001345553.8), dbSNP rs371226812, ClinGen allele CA132830681.